The following is an entry in ClinVar:

ClinVar aggregate classification (germline): Likely pathogenic (1 of 4 stars; one submission).

Conditions:
Lissencephaly type 1 due to doublecortin gene mutation. Also called: LISSENCEPHALY, X-LINKED, 1; LISSENCEPHALY AND AGENESIS OF CORPUS CALLOSUM. Identifiers: Orphanet 2148, MedGen C4551968, MONDO:0010239, OMIM 300067.

Submission:

Service of Pediatric Gastrohepatology and Metabolic Diseases, University of Medicine of Tirana
Classification: Likely pathogenic for Lissencephaly type 1 due to doublecortin gene mutation. Last evaluated: 2026-04-29. Review status: criteria provided, single submitter. Criteria: ACMG Guidelines, 2015. Collection method: clinical testing. Allele origin: germline. Inheritance: X-linked dominant inheritance. Affected: yes. Observed: 1 variant allele.
Comment: DCX c.170del was classified as Likely pathogenic using ACMG/AMP 2015 criteria (PMID:25741868). The deletion is predicted to cause a frameshift/loss-of-function effect, supporting PVS1 where applicable, with PM2 for rarity/absence in population databases when reviewed and PP4 for phenotype consistency with DCX-related lissencephaly/subcortical band heterotopia (OMIM:300067).

NM_001195553.2(DCX):c.170del (p.Phe57fs)

Gene: DCX (doublecortin; minus strand). Cytogenetic location: Xq23.
Variant type: Deletion.
Coding change: c.170del on transcript NM_001195553.2 (MANE Select); coding-DNA position 170, one base deleted (T; older notation c.170delT).
Protein change: p.Phe57fs; shifts the reading frame from phenylalanine 57.
Molecular consequence: frameshift variant.
Genome position (GRCh38, 1-based): chrX:111,410,229, A deleted on the plus strand (T on the coding strand, the reverse complement: DCX is on the minus strand); the first of 3 consecutive A bases (chrX:111,410,229-111,410,231); deleting any one gives the same sequence. VCF-style (leftmost placement, unchanged base first): chrX-111410228-GA-G. GRCh37 (hg19) VCF-style: chrX-110653456-GA-G.
Other names: c.413del, p.Phe138fs (NM_000555.3); c.170del, p.Phe57fs (NM_001369370.1, NM_001369371.1, NM_001369372.1 and 6 more transcripts); short protein forms F138fs, F57fs.
Identifiers: ClinVar variation 4849578 (VCV004849578.1).